The following is an entry in ClinVar:

ClinVar aggregate classification (germline): Uncertain significance. Review status: criteria provided, multiple submitters, no conflicts (2 of 4 stars). 2 submissions from 2 submitters: Uncertain significance (2). Last evaluated 2024-10-12.

Conditions:
Hereditary nonpolyposis colorectal neoplasms. Identifiers: MedGen C0009405, MeSH D003123.
Hereditary cancer-predisposing syndrome. Also called: Hereditary Cancer Syndrome; Tumor predisposition; Hereditary neoplastic syndrome; Neoplastic Syndromes, Hereditary. Identifiers: Orphanet 140162, MedGen C0027672, MeSH D009386, MONDO:0015356.

Submissions (2):

Ambry Genetics
Classification: Uncertain significance for Hereditary cancer-predisposing syndrome. Last evaluated: 2024-10-12. Review status: criteria provided, single submitter. Criteria: Ambry Variant Classification Scheme 2023. Collection method: clinical testing. Allele origin: germline.
Comment: The p.K627E variant (also known as c.1879A>G), located in coding exon 11 of the PMS2 gene, results from an A to G substitution at nucleotide position 1879. The lysine at codon 627 is replaced by glutamic acid, an amino acid with similar properties. This amino acid position is conserved. In addition, this alteration is predicted to be tolerated by in silico analysis. Based on the available evidence, the clinical significance of this variant remains unclear.

Labcorp Genetics (formerly Invitae), Labcorp
Classification: Uncertain significance for Hereditary nonpolyposis colorectal neoplasms. Last evaluated: 2020-02-29. Review status: criteria provided, single submitter. Criteria: Invitae Variant Classification Sherloc (09022015). Collection method: clinical testing. Allele origin: germline.
Comment: In summary, the available evidence is currently insufficient to determine the role of this variant in disease. Therefore, it has been classified as a Variant of Uncertain Significance. Algorithms developed to predict the effect of missense changes on protein structure and function output the following: SIFT: "Tolerated"; PolyPhen-2: "Benign"; Align-GVGD: "Class C0". The glutamic acid amino acid residue is found in multiple mammalian species, suggesting that this missense change does not adversely affect protein function. These predictions have not been confirmed by published functional studies and their clinical significance is uncertain. This variant has not been reported in the literature in individuals with PMS2-related conditions. This variant is not present in population databases (ExAC no frequency). This sequence change replaces lysine with glutamic acid at codon 627 of the PMS2 protein (p.Lys627Glu). The lysine residue is moderately conserved and there is a small physicochemical difference between lysine and glutamic acid.

NM_000535.7(PMS2):c.1879A>G (p.Lys627Glu)

Gene: PMS2 (PMS1 homolog 2, mismatch repair system component; minus strand). Cytogenetic location: 7p22.1.
Variant type: single nucleotide variant.
Coding change: c.1879A>G on transcript NM_000535.7 (MANE Select); coding-DNA position 1879, A replaced by G.
Protein change: p.Lys627Glu; replaces lysine 627 with glutamic acid.
Molecular consequence: missense variant. On other transcripts: non-coding transcript variant (1).
Genome position (GRCh38, 1-based): chr7:5,986,886, T>C on the plus strand (A>G on the coding strand, the complement: PMS2 is on the minus strand). VCF-style: chr7-5986886-T-C. GRCh37 (hg19) VCF-style: chr7-6026517-T-C.
Other names: c.1879A>G (NM_000535.5); c.1474A>G, p.Lys492Glu (NM_001322003.2, NM_001322004.2, NM_001322005.2 and 1 more transcripts); c.1723A>G, p.Lys575Glu (NM_001322006.2); c.1561A>G, p.Lys521Glu (NM_001322007.2, NM_001322008.2); c.1318A>G, p.Lys440Glu (NM_001322010.2); c.946A>G, p.Lys316Glu (NM_001322011.2, NM_001322012.2); c.1306A>G, p.Lys436Glu (NM_001322013.2); c.1879A>G, p.Lys627Glu (NM_001322014.2); and 1 more; short protein forms K316E, K436E, K440E, K492E, K521E, K524E, K575E, K627E.
Identifiers: ClinVar variation 1054253 (VCV001054253.10), dbSNP rs2128721900, ClinGen allele CA366739458.